The following is an entry in ClinVar:

NM_001035.3(RYR2):c.8240A>T (p.Tyr2747Phe)

Gene: RYR2 (ryanodine receptor 2; plus strand). Cytogenetic location: 1q43.
Variant type: single nucleotide variant.
Coding change: c.8240A>T on transcript NM_001035.3 (MANE Select); coding-DNA position 8240, A replaced by T.
Protein change: p.Tyr2747Phe; replaces tyrosine 2747 with phenylalanine.
Molecular consequence: missense variant.
Genome position (GRCh38, 1-based): chr1:237,660,016, A>T. VCF-style: chr1-237660016-A-T. GRCh37 (hg19) VCF-style: chr1-237823316-A-T.
Other names: c.8240A>T, p.Tyr2747Phe (LRG_402t1); short protein forms Y2747F.
Identifiers: ClinVar variation 628738 (VCV000628738.6), dbSNP rs1558161375, ClinGen allele CA345401377.
Genomic context (GRCh38, chr1:237,660,016, plus strand): 5'-ACAATTTTTAATGTTTGCCTTTTTTTAAGTTGGCAAATGGATGGATTTATGGAGAAATAT[A>T]TTCAGACTCTTCTAAGGTTCAGCCATTAATGAAGCCATATAAGCTATTGTCTGAAAAGGT-3'
Protein context (NP_001026.2, residues 2737-2757): LANGWIYGEI[Tyr2747Phe]SDSSKVQPLM

ClinVar aggregate classification (germline): Uncertain significance (1 of 4 stars; one submission).

Conditions:
Cardiomyopathy (CMYO). Also called: Cardiomyopathies. Identifiers: Orphanet 167848, MedGen C0878544, MONDO:0004994, HP:0001638. Inheritance: Various modes of inheritance.

Submission:

Color Diagnostics, LLC DBA Color Health
Classification: Uncertain significance for Cardiomyopathy. Last evaluated: 2023-12-05. Review status: criteria provided, single submitter. Criteria: ACMG Guidelines, 2015. Collection method: clinical testing. Allele origin: germline.
Comment: This missense variant replaces tyrosine with phenylalanine at codon 2747 of the RYR2 protein. Computational prediction tools and conservation analyses suggest that this variant may not impact the protein function. Computational splicing tools suggest that this variant may not impact RNA splicing. To our knowledge, functional assays have not been performed for this variant nor has this variant been reported in individuals affected with cardiovascular disorders in the literature. This variant has not been identified in the general population by the Genome Aggregation Database (gnomAD). Available evidence is insufficient to determine the role of this variant in disease conclusively. Therefore, this variant is classified as a Variant of Uncertain Significance.